The following is an entry in ClinVar:

ClinVar aggregate classification (germline): Uncertain significance (1 of 4 stars; one submission).

gnomAD v4.1: 2 of 1,614,040 alleles (0.00012%); highest among the groups gnomAD compares: Non-Finnish European, 0.00017%; no homozygotes.

Submission:

GeneDx
Classification: Uncertain significance. Last evaluated: 2024-10-06. Review status: criteria provided, single submitter. Criteria: GeneDx Variant Classification Process June 2021. Collection method: clinical testing. Allele origin: germline. Affected: yes.
Comment: Not observed at significant frequency in large population cohorts (gnomAD); In silico analysis indicates that this missense variant does not alter protein structure/function; Has not been previously published as pathogenic or benign to our knowledge

NM_015046.7(SETX):c.5168C>G (p.Ala1723Gly)

Gene: SETX (senataxin; minus strand). Cytogenetic location: 9q34.13.
Variant type: single nucleotide variant.
Coding change: c.5168C>G on transcript NM_015046.7 (MANE Select); coding-DNA position 5168, C replaced by G.
Protein change: p.Ala1723Gly; replaces alanine 1723 with glycine.
Molecular consequence: missense variant.
Genome position (GRCh38, 1-based): chr9:132,326,430, G>C on the plus strand (C>G on the coding strand, the complement: SETX is on the minus strand). VCF-style: chr9-132326430-G-C. GRCh37 (hg19) VCF-style: chr9-135201817-G-C.
Other names: c.5168C>G, p.Ala1723Gly (NM_001351527.2, NM_001351528.2); short protein forms A1723G.
Identifiers: ClinVar variation 3776718 (VCV003776718.1).